The following is an entry in ClinVar:

ClinVar aggregate classification (germline): Benign. Review status: criteria provided, single submitter (1 of 4 stars). 2 submissions from 2 submitters: Benign (1). 1 of the submissions does not count toward it. Last evaluated 2026-01-25.

Conditions:
FMN1-related disorder. Also called: FMN1-related condition.

Allele frequency attached by ClinVar (database versions not stated): gnomAD exomes 0.00043 and 0.00113; ExAC 0.00133; ESP Exome Variant Server 0.00381; 1000 Genomes Project 30x 0.00437; 1000 Genomes Project 0.00439; gnomAD 0.00452 and 0.00480; TOPMed 0.00492.
gnomAD v4.1: 1,339 of 1,610,960 alleles (0.083%); highest among the groups gnomAD compares: African/African-American, 1.6%; 16 homozygotes.

Submissions (2):

Labcorp Genetics (formerly Invitae), Labcorp
Classification: Benign. Last evaluated: 2026-01-25. Review status: criteria provided, single submitter. Criteria: Invitae Variant Classification Sherloc (09022015). Collection method: clinical testing. Allele origin: germline.

PreventionGenetics, part of Exact Sciences
Classification: Benign for FMN1-related condition. Last evaluated: 2024-08-23. Review status: no assertion criteria provided. Collection method: clinical testing. Allele origin: germline. Not counted in ClinVar's aggregate classification.
Comment: This variant is classified as benign based on ACMG/AMP sequence variant interpretation guidelines (Richards et al. 2015 PMID: 25741868, with internal and published modifications).

NM_001277313.2(FMN1):c.2073C>T (p.Asp691=)

Gene: FMN1 (formin 1; minus strand). Cytogenetic location: 15q13.3.
Variant type: single nucleotide variant.
Coding change: c.2073C>T on transcript NM_001277313.2 (MANE Select); coding-DNA position 2073, C replaced by T.
Protein change: p.Asp691=; no amino-acid change (aspartic acid 691 retained).
Molecular consequence: synonymous variant.
Genome position (GRCh38, 1-based): chr15:33,065,045, G>A on the plus strand (C>T on the coding strand, the complement: FMN1 is on the minus strand). VCF-style: chr15-33065045-G-A. GRCh37 (hg19) VCF-style: chr15-33357246-G-A.
Other names: c.1404C>T, p.Asp468= (NM_001103184.4).
Identifiers: ClinVar variation 787115 (VCV000787115.10), dbSNP rs115543268, ClinGen allele CA7457081.